The following is an entry in ClinVar:

NM_006440.5(TXNRD2):c.965C>G (p.Thr322Ser)

Gene: TXNRD2 (thioredoxin reductase 2; minus strand). Cytogenetic location: 22q11.21.
Variant type: single nucleotide variant.
Coding change: c.965C>G on transcript NM_006440.5 (MANE Select); coding-DNA position 965, C replaced by G.
Protein change: p.Thr322Ser; replaces threonine 322 with serine.
Molecular consequence: missense variant. On other transcripts: non-coding transcript variant (1).
Genome position (GRCh38, 1-based): chr22:19,883,446, G>C on the plus strand (C>G on the coding strand, the complement: TXNRD2 is on the minus strand). VCF-style: chr22-19883446-G-C. GRCh37 (hg19) VCF-style: chr22-19870969-G-C.
Other names: c.962C>G, p.Thr321Ser (NM_001352300.2); c.875C>G, p.Thr292Ser (NM_001352301.2); c.677C>G, p.Thr226Ser (NM_001352302.2); short protein forms T322S, T226S, T292S, T321S.
Identifiers: ClinVar variation 943067 (VCV000943067.9), dbSNP rs752178604, ClinGen allele CA322093816.

ClinVar aggregate classification (germline): Uncertain significance (1 of 4 stars; one submission).

Conditions:
Primary dilated cardiomyopathy (DCM). Also called: Dilated Cardiomyopathy. Identifiers: Orphanet 217604, MedGen C0007193, MeSH D002311, MONDO:0005021, HP:0001644. Inheritance: Various modes of inheritance.

gnomAD v4.1: 1 of 1,614,080 alleles (0.000062%); highest among the groups gnomAD compares: Non-Finnish European, 0.000085%; no homozygotes.

Submission:

Labcorp Genetics (formerly Invitae), Labcorp
Classification: Uncertain significance for Primary dilated cardiomyopathy. Last evaluated: 2022-02-03. Review status: criteria provided, single submitter. Criteria: Invitae Variant Classification Sherloc (09022015). Collection method: clinical testing. Allele origin: germline.
Comment: In summary, the available evidence is currently insufficient to determine the role of this variant in disease. Therefore, it has been classified as a Variant of Uncertain Significance. Algorithms developed to predict the effect of missense changes on protein structure and function are either unavailable or do not agree on the potential impact of this missense change (SIFT: "Tolerated"; PolyPhen-2: "Possibly Damaging"; Align-GVGD: "Class C0"). ClinVar contains an entry for this variant (Variation ID: 943067). This variant has not been reported in the literature in individuals affected with TXNRD2-related conditions. This variant is not present in population databases (gnomAD no frequency). This sequence change replaces threonine, which is neutral and polar, with serine, which is neutral and polar, at codon 322 of the TXNRD2 protein (p.Thr322Ser).